The following is an entry in ClinVar:

NM_000051.4(ATM):c.5919-12T>C

Genes: ATM (ATM serine/threonine kinase; plus strand), C11orf65 (chromosome 11 open reading frame 65; minus strand). Cytogenetic location: 11q22.3.
Variant type: single nucleotide variant.
Coding change: c.5919-12T>C on transcript NM_000051.4 (MANE Select); 12 bases into the intron before coding-DNA position 5919, T replaced by C.
Molecular consequence: intron variant.
Genome position (GRCh38, 1-based): chr11:108,312,399, T>C. VCF-style: chr11-108312399-T-C. GRCh37 (hg19) VCF-style: chr11-108183126-T-C.
Other names: c.5919-12T>C (NM_001351834.2); c.641-3328A>G (NM_001330368.2); c.*39-3328A>G (NM_001351110.2).
Identifiers: ClinVar variation 3256191 (VCV003256191.4).

ClinVar aggregate classification (germline): Conflicting classifications of pathogenicity. Review status: criteria provided, conflicting classifications (1 of 4 stars). 2 submissions from 2 submitters: Uncertain significance (1); Likely benign (1). Last evaluated 2025-12-29.

Conditions:
Ataxia-telangiectasia syndrome (AT). Also called: Ataxia-telangiectasia; Ataxia-telangiectasia, complementation group D; AT, COMPLEMENTATION GROUP C; Ataxia-telangiectasia, complementation group E; LOUIS-BAR SYNDROME; Cerebello-oculocutaneous telangiectasia. Identifiers: Orphanet 100, MedGen C0004135, MONDO:0008840, OMIM 208900.

gnomAD v4.1: 2 of 1,557,090 alleles (0.00013%); highest among the groups gnomAD compares: Non-Finnish European, 0.00018%; no homozygotes.

Submissions (2):

Center for Genomic Medicine, Rigshospitalet, Copenhagen University Hospital
Classification: Likely benign. Last evaluated: 2025-12-29. Review status: criteria provided, single submitter. Criteria: ACMG Guidelines, 2015. Collection method: clinical testing. Allele origin: germline.

Labcorp Genetics (formerly Invitae), Labcorp
Classification: Uncertain significance for Ataxia-telangiectasia syndrome. Last evaluated: 2024-03-08. Review status: criteria provided, single submitter. Criteria: Invitae Variant Classification Sherloc (09022015). Collection method: clinical testing. Allele origin: germline.
Comment: This sequence change falls in intron 39 of the ATM gene. It does not directly change the encoded amino acid sequence of the ATM protein. This variant is not present in population databases (gnomAD no frequency). This variant has not been reported in the literature in individuals affected with ATM-related conditions. Algorithms developed to predict the effect of sequence changes on RNA splicing suggest that this variant may disrupt the consensus splice site. In summary, the available evidence is currently insufficient to determine the role of this variant in disease. Therefore, it has been classified as a Variant of Uncertain Significance.